The following is an entry in ClinVar:

ClinVar aggregate classification (germline): Uncertain significance (1 of 4 stars; one submission).

Allele frequency attached by ClinVar (database versions not stated): ESP Exome Variant Server 0.00008.
gnomAD v4.1: 40 of 1,614,022 alleles (0.0025%); highest among the groups gnomAD compares: African/African-American, 0.017%; no homozygotes.

Submission:

Labcorp Genetics (formerly Invitae), Labcorp
Classification: Uncertain significance. Last evaluated: 2024-10-11. Review status: criteria provided, single submitter. Criteria: Invitae Variant Classification Sherloc (09022015). Collection method: clinical testing. Allele origin: germline.
Comment: This sequence change replaces arginine, which is basic and polar, with cysteine, which is neutral and slightly polar, at codon 644 of the IGSF10 protein (p.Arg644Cys). This variant is present in population databases (rs201983963, gnomAD 0.03%). This variant has not been reported in the literature in individuals affected with IGSF10-related conditions. An algorithm developed to predict the effect of missense changes on protein structure and function outputs the following: PolyPhen-2: "Benign". The cysteine amino acid residue is found in multiple mammalian species, which suggests that this missense change does not adversely affect protein function. In summary, the available evidence is currently insufficient to determine the role of this variant in disease. Therefore, it has been classified as a Variant of Uncertain Significance.

NM_178822.5(IGSF10):c.1930C>T (p.Arg644Cys)

Gene: IGSF10 (immunoglobulin superfamily member 10; minus strand). Cytogenetic location: 3q25.1.
Variant type: single nucleotide variant.
Coding change: c.1930C>T on transcript NM_178822.5 (MANE Select); coding-DNA position 1930, C replaced by T.
Protein change: p.Arg644Cys; replaces arginine 644 with cysteine.
Molecular consequence: missense variant.
Genome position (GRCh38, 1-based): chr3:151,448,051, G>A on the plus strand (C>T on the coding strand, the complement: IGSF10 is on the minus strand). VCF-style: chr3-151448051-G-A. GRCh37 (hg19) VCF-style: chr3-151165839-G-A.
Other names: c.1930C>T, p.Arg644Cys (NM_001385060.1, NM_001385061.1, NM_001385062.1 and 1 more transcripts); short protein forms R644C.
Identifiers: ClinVar variation 2918545 (VCV002918545.3), dbSNP rs201983963, ClinGen allele CA2670445.
Genomic context (GRCh38, chr3:151,448,051, plus strand): 5'-TCTTGACTGAAACTTGGAAAATCAAAAAATCAACCCCTGATGGGTTGGCTGCCACACAGC[G>A]ATAATAACCTTGGTCTTTCGGGGTGACCTGTAATATTCTTAATGTGCCATTGTTTAGAAC-3'
Protein context (NP_849144.2, residues 634-654): QVTPKDQGYY[Arg644Cys]CVAANPSGVD